The following is an entry in ClinVar:

NM_000503.6(EYA1):c.1315del (p.Arg439fs)

Gene: EYA1 (EYA transcriptional coactivator and phosphatase 1; minus strand). Cytogenetic location: 8q13.3.
Variant type: Deletion.
Coding change: c.1315del on transcript NM_000503.6 (MANE Select); coding-DNA position 1315, one base deleted (A; older notation c.1315delA).
Protein change: p.Arg439fs; shifts the reading frame from arginine 439.
Molecular consequence: frameshift variant.
Genome position (GRCh38, 1-based): chr8:71,216,737, T deleted on the plus strand (A on the coding strand, the reverse complement: EYA1 is on the minus strand). VCF-style (leftmost placement, unchanged base first): chr8-71216736-CT-C. GRCh37 (hg19) VCF-style: chr8-72128971-CT-C.
Other names: c.1297del, p.Arg433fs (NM_001288574.2, NM_172059.5); c.949del, p.Arg317fs (NM_001288575.2); c.1402del, p.Arg468fs (NM_001370333.1); c.1315del, p.Arg439fs (NM_001370334.1, NM_001370335.1, NM_172058.4); c.1294del, p.Arg432fs (NM_001370336.1); short protein forms R432fs, R468fs, R439fs, R433fs, R317fs.
Identifiers: ClinVar variation 1370990 (VCV001370990.8), dbSNP rs2128853840, ClinGen allele CA2573143309.

ClinVar aggregate classification (germline): Pathogenic (1 of 4 stars; one submission).

Conditions:
Melnick-Fraser syndrome (BOR). Also called: Branchiootorenal syndrome; Branchiootorenal Syndrome (BORS); Branchio-oto-renal syndrome. Identifiers: Orphanet 107, MedGen C0265234, MONDO:0007029.

Submission:

Labcorp Genetics (formerly Invitae), Labcorp
Classification: Pathogenic for Melnick-Fraser syndrome. Last evaluated: 2021-01-14. Review status: criteria provided, single submitter. Criteria: Invitae Variant Classification Sherloc (09022015). Collection method: clinical testing. Allele origin: germline.
Comment: For these reasons, this variant has been classified as Pathogenic. This variant has not been reported in the literature in individuals with EYA1-related conditions. This variant is not present in population databases (ExAC no frequency). This sequence change creates a premature translational stop signal (p.Arg439Aspfs*3) in the EYA1 gene. It is expected to result in an absent or disrupted protein product. Loss-of-function variants in EYA1 are known to be pathogenic (PMID: 10464653, 18220287).

Literature cited by the submitters: PubMed 10464653; PubMed 18220287.